The following is an entry in ClinVar:

NM_000501.4(ELN):c.2132-5T>A

Gene: ELN (elastin; plus strand). Cytogenetic location: 7q11.23.
Variant type: single nucleotide variant.
Coding change: c.2132-5T>A on transcript NM_000501.4 (MANE Select); 5 bases into the intron before coding-DNA position 2132, T replaced by A.
Molecular consequence: intron variant.
Genome position (GRCh38, 1-based): chr7:74,068,652, T>A. VCF-style: chr7-74068652-T-A. GRCh37 (hg19) VCF-style: chr7-73482982-T-A.
Other names: c.2093-5T>A (NM_001081754.3); c.2036-5T>A (NM_001081753.3); c.2318-5T>A (NM_001278939.2); c.2150-5T>A (NM_001278915.2); c.2078-5T>A (NM_001278912.2); c.2075-5T>A (NM_001081755.3); c.1934-5T>A (NM_001278916.2); c.1889-5T>A (NM_001278913.2); and 4 more.
Identifiers: ClinVar variation 911186 (VCV000911186.13), dbSNP rs539160518, ClinGen allele CA4293428.

ClinVar aggregate classification (germline): Benign/Likely benign. Review status: criteria provided, multiple submitters, no conflicts (2 of 4 stars). 4 submissions from 3 submitters: Benign (2); Likely benign (2). Last evaluated 2026-01-14.

Conditions:
Supravalvar aortic stenosis (SVAS). Also called: Supravalvar aortic stenosis, Eisenberg type. Identifiers: Orphanet 3193, MedGen C0003499, MONDO:0008504, OMIM 185500, HP:0004381.
Cutis laxa, autosomal dominant 1 (ADCL1). Also called: ELN-Related Cutis Laxa. Identifiers: Orphanet 90348, MedGen C3276539, MONDO:0007411, OMIM 123700. Disease mechanism: Dominant Negative.

Allele frequency attached by ClinVar (database versions not stated): gnomAD 0.00004 and 0.00012; TOPMed 0.00005; ExAC 0.00021; 1000 Genomes Project 30x 0.00031; 1000 Genomes Project 0.00040.
gnomAD v4.1: 221 of 1,614,058 alleles (0.014%); highest among the groups gnomAD compares: South Asian, 0.15%; 2 homozygotes.

Submissions (4):

Labcorp Genetics (formerly Invitae), Labcorp
Classification: Benign for Supravalvar aortic stenosis. Last evaluated: 2026-01-14. Review status: criteria provided, single submitter. Criteria: Invitae Variant Classification Sherloc (09022015). Collection method: clinical testing. Allele origin: germline.

GeneDx
Classification: Likely benign. Last evaluated: 2021-07-31. Review status: criteria provided, single submitter. Criteria: GeneDx Variant Classification Process June 2021. Collection method: clinical testing. Allele origin: germline. Affected: yes.

Illumina Laboratory Services, Illumina
Classification: Benign for Cutis laxa, autosomal dominant 1. Last evaluated: 2018-01-12. Review status: criteria provided, single submitter. Criteria: ICSL Variant Classification Criteria 13 December 2019. Collection method: clinical testing. Allele origin: germline.
Comment: This variant was observed in the ICSL laboratory as part of a predisposition screen in an ostensibly healthy population. It had not been previously curated by ICSL or reported in the Human Gene Mutation Database (HGMD: prior to June 1st, 2018), and was therefore a candidate for classification through an automated scoring system. Utilizing variant allele frequency, disease prevalence and penetrance estimates, and inheritance mode, an automated score was calculated to assess if this variant is too frequent to cause the disease. Based on the score and internal cut-off values, a variant classified as benign is not then subjected to further curation. The score for this variant resulted in a classification of benign for this disease.

Illumina Laboratory Services, Illumina
Classification: Likely benign for Supravalvar aortic stenosis. Last evaluated: 2018-01-12. Review status: criteria provided, single submitter. Criteria: ICSL Variant Classification Criteria 13 December 2019. Collection method: clinical testing. Allele origin: germline.
Comment: This variant was observed in the ICSL laboratory as part of a predisposition screen in an ostensibly healthy population. It had not been previously curated by ICSL or reported in the Human Gene Mutation Database (HGMD: prior to June 1st, 2018), and was therefore a candidate for classification through an automated scoring system. Utilizing variant allele frequency, disease prevalence and penetrance estimates, and inheritance mode, an automated score was calculated to assess if this variant is too frequent to cause the disease. Based on the score and internal cut-off values, a variant classified as likely benign is not then subjected to further curation. The score for this variant resulted in a classification of likely benign for this disease.